The following is an entry in ClinVar:

ClinVar aggregate classification (germline): Uncertain significance (1 of 4 stars; one submission).

Conditions:
Hereditary cancer-predisposing syndrome. Also called: Neoplastic Syndromes, Hereditary; Tumor predisposition; Hereditary Cancer Syndrome; Hereditary neoplastic syndrome. Identifiers: Orphanet 140162, MedGen C0027672, MeSH D009386, MONDO:0015356.

Submission:

Ambry Genetics
Classification: Uncertain significance for Hereditary cancer-predisposing syndrome. Last evaluated: 2025-05-21. Review status: criteria provided, single submitter. Criteria: Ambry Variant Classification Scheme 2023. Collection method: clinical testing. Allele origin: germline.
Comment: The p.G2332V variant (also known as c.6995G>T), located in coding exon 15 of the APC gene, results from a G to T substitution at nucleotide position 6995. The glycine at codon 2332 is replaced by valine, an amino acid with dissimilar properties. This amino acid position is well conserved in available vertebrate species. In addition, in silico predictors for this gene do not accurately predict pathogenicity. Based on the available evidence, the clinical significance of this variant remains unclear.

NM_000038.6(APC):c.6995G>T (p.Gly2332Val)

Gene: APC (APC regulator of Wnt signaling pathway; plus strand). Cytogenetic location: 5q22.2.
Variant type: single nucleotide variant.
Coding change: c.6995G>T on transcript NM_000038.6 (MANE Select); coding-DNA position 6995, G replaced by T.
Protein change: p.Gly2332Val; replaces glycine 2332 with valine.
Molecular consequence: missense variant.
Genome position (GRCh38, 1-based): chr5:112,842,589, G>T. VCF-style: chr5-112842589-G-T. GRCh37 (hg19) VCF-style: chr5-112178286-G-T.
Other names: c.6995G>T, p.Gly2332Val (NM_001127510.3, NM_001354895.2, NM_001407450.1); c.6941G>T, p.Gly2314Val (NM_001127511.3); c.7049G>T, p.Gly2350Val (NM_001354896.2, NM_001407447.1, NM_001407448.1 and 1 more transcripts); c.7025G>T, p.Gly2342Val (NM_001354897.2); c.6920G>T, p.Gly2307Val (NM_001354898.2); c.6911G>T, p.Gly2304Val (NM_001354899.2); c.6872G>T, p.Gly2291Val (NM_001354900.2); c.6818G>T, p.Gly2273Val (NM_001354901.2, NM_001407453.1); and 11 more; short protein forms G1948V, G2172V, G2206V, G2231V, G2291V, G2304V, G2314V, G2350V.
Identifiers: ClinVar variation 1756493 (VCV001756493.3), dbSNP rs2149977858, ClinGen allele CA16036581.